The following is an entry in ClinVar:

ClinVar aggregate classification (germline): Uncertain significance. Review status: criteria provided, multiple submitters, no conflicts (2 of 4 stars). 4 submissions from 4 submitters: Uncertain significance (2). 2 of the submissions do not count toward it. Last evaluated 2022-01-11.

Allele frequency attached by ClinVar (database versions not stated): gnomAD exomes 0.00029; gnomAD 0.00191 and 0.00206; ExAC 0.00972.
gnomAD v4.1: 671 of 1,523,514 alleles (0.044%); highest among the groups gnomAD compares: Admixed American, 0.075%; no homozygotes.

Submissions (4):

Women's Health and Genetics/Laboratory Corporation of America, LabCorp
Classification: Uncertain significance. Last evaluated: 2022-01-11. Review status: criteria provided, single submitter. Criteria: LabCorp Variant Classification Summary - May 2015. Collection method: clinical testing. Allele origin: germline.
Comment: Variant summary: AK2 c.602A>T (p.Tyr201Phe) results in a conservative amino acid change in the encoded protein sequence. Four of five in-silico tools predict a damaging effect of the variant on protein function. The variant allele was found at a frequency of 0.00022 in 246324 control chromosomes, predominantly at a frequency of 0.00034 within the Non-Finnish European subpopulation in the gnomAD database. This frequency is not significantly higher than expected for a pathogenic variant in AK2 causing Severe Combined Immunodeficiency (0.00022 vs 0.00035), allowing no conclusion about variant significance. To our knowledge, no occurrence of c.602A>T in individuals affected with Severe Combined Immunodeficiency and no experimental evidence demonstrating its impact on protein function have been reported. No clinical diagnostic laboratories have submitted clinical-significance assessments for this variant to ClinVar after 2014. Based on the evidence outlined above, the variant was classified as uncertain significance.

Breakthrough Genomics
Classification: Uncertain significance. Review status: criteria provided, single submitter. Criteria: ACMG Guidelines, 2015. Collection method: not provided. Allele origin: germline. Inheritance: Autosomal recessive inheritance. Affected: yes.

Clinical Genetics DNA and cytogenetics Diagnostics Lab, Erasmus MC, Erasmus Medical Center
Classification: Likely benign. Review status: no assertion criteria provided. Collection method: clinical testing. Allele origin: germline. Affected: yes. Study: VKGL Data-share Consensus. Not counted in ClinVar's aggregate classification.

Laboratory of Diagnostic Genome Analysis, Leiden University Medical Center (LUMC)
Classification: Likely benign. Review status: no assertion criteria provided. Collection method: clinical testing. Allele origin: germline. Affected: yes. Study: VKGL Data-share Consensus. Not counted in ClinVar's aggregate classification.

NM_001625.4(AK2):c.602A>T (p.Tyr201Phe)

Gene: AK2 (adenylate kinase 2; minus strand). Cytogenetic location: 1p35.1.
Variant type: single nucleotide variant.
Coding change: c.602A>T on transcript NM_001625.4 (MANE Select); coding-DNA position 602, A replaced by T.
Protein change: p.Tyr201Phe; replaces tyrosine 201 with phenylalanine.
Molecular consequence: missense variant. On other transcripts: 3 prime UTR variant (1), non-coding transcript variant (1).
Genome position (GRCh38, 1-based): chr1:33,013,299, T>A on the plus strand (A>T on the coding strand, the complement: AK2 is on the minus strand). VCF-style: chr1-33013299-T-A. GRCh37 (hg19) VCF-style: chr1-33478900-T-A.
Other names: c.578A>T, p.Tyr193Phe (NM_001199199.3); c.458A>T, p.Tyr153Phe (NM_001319139.3, NM_001319140.2); c.602A>T, p.Tyr201Phe (NM_001319141.3, NM_013411.5); c.476A>T, p.Tyr159Phe (NM_001319142.3); c.*105A>T (NM_001319143.2); short protein forms Y153F, Y159F, Y193F, Y201F.
Identifiers: ClinVar variation 1206282 (VCV001206282.4), dbSNP rs113711467, ClinGen allele CA747061.